The following is an entry in ClinVar:

NM_003238.6(TGFB2):c.59G>A (p.Ser20Asn)

Gene: TGFB2 (transforming growth factor beta 2; plus strand). Cytogenetic location: 1q41.
Variant type: single nucleotide variant.
Coding change: c.59G>A on transcript NM_003238.6 (MANE Select); coding-DNA position 59, G replaced by A.
Protein change: p.Ser20Asn; replaces serine 20 with asparagine.
Molecular consequence: missense variant. On other transcripts: non-coding transcript variant (2).
Genome position (GRCh38, 1-based): chr1:218,346,760, G>A. VCF-style: chr1-218346760-G-A. GRCh37 (hg19) VCF-style: chr1-218520102-G-A.
Other names: c.59G>A, p.Ser20Asn (NM_001135599.4); short protein forms S20N.
Identifiers: ClinVar variation 838563 (VCV000838563.14), dbSNP rs1656695125, ClinGen allele CA344725186.

ClinVar aggregate classification (germline): Uncertain significance (1 of 4 stars; one submission).

Conditions:
Loeys-Dietz syndrome 4 (LDS4). Also called: ANEURYSM, AORTIC AND CEREBRAL, WITH ARTERIAL TORTUOSITY AND SKELETAL MANIFESTATIONS; TGFB2-Related Loeys-Dietz Syndrome. Identifiers: MedGen C3553762, MONDO:0013897, OMIM 614816.

Submission:

Labcorp Genetics (formerly Invitae), Labcorp
Classification: Uncertain significance for Loeys-Dietz syndrome 4. Last evaluated: 2019-12-13. Review status: criteria provided, single submitter. Criteria: Invitae Variant Classification Sherloc (09022015). Collection method: clinical testing. Allele origin: germline.
Comment: In summary, the available evidence is currently insufficient to determine the role of this variant in disease. Therefore, it has been classified as a Variant of Uncertain Significance. Algorithms developed to predict the effect of missense changes on protein structure and function are either unavailable or do not agree on the potential impact of this missense change (SIFT: "Tolerated"; PolyPhen-2: "Possibly Damaging"; Align-GVGD: "Class C0"). This variant has not been reported in the literature in individuals with TGFB2-related conditions. This variant is not present in population databases (ExAC no frequency). This sequence change replaces serine with asparagine at codon 20 of the TGFB2 protein (p.Ser20Asn). The serine residue is highly conserved and there is a small physicochemical difference between serine and asparagine.